The following is an entry in ClinVar:

NM_005051.3(QARS1):c.1181A>G (p.Lys394Arg)

Gene: QARS1 (glutaminyl-tRNA synthetase 1; minus strand). Cytogenetic location: 3p21.31.
Variant type: single nucleotide variant.
Coding change: c.1181A>G on transcript NM_005051.3 (MANE Select); coding-DNA position 1181, A replaced by G.
Protein change: p.Lys394Arg; replaces lysine 394 with arginine.
Molecular consequence: missense variant. On other transcripts: non-coding transcript variant (1).
Genome position (GRCh38, 1-based): chr3:49,100,075, T>C on the plus strand (A>G on the coding strand, the complement: QARS1 is on the minus strand). VCF-style: chr3-49100075-T-C. GRCh37 (hg19) VCF-style: chr3-49137508-T-C.
Other names: c.1148A>G, p.Lys383Arg (NM_001272073.2); short protein forms K383R, K394R.
Identifiers: ClinVar variation 1053348 (VCV001053348.5), dbSNP rs2107102257, ClinGen allele CA352709450.

ClinVar aggregate classification (germline): Uncertain significance (1 of 4 stars; one submission).

Conditions:
Diffuse cerebral and cerebellar atrophy - intractable seizures - progressive microcephaly syndrome. Also called: Microcephaly, progressive, with seizures and cerebral and cerebellar atrophy. Identifiers: Orphanet 404437, MedGen C4014239, MONDO:0014335, OMIM 615760.

Submission:

Labcorp Genetics (formerly Invitae), Labcorp
Classification: Uncertain significance for Diffuse cerebral and cerebellar atrophy - intractable seizures - progressive microcephaly syndrome. Last evaluated: 2018-08-10. Review status: criteria provided, single submitter. Criteria: Invitae Variant Classification Sherloc (09022015). Collection method: clinical testing. Allele origin: germline.
Comment: Algorithms developed to predict the effect of missense changes on protein structure and function are either unavailable or do not agree on the potential impact of this missense change (SIFT: "Tolerated"; PolyPhen-2: "Probably Damaging"; Align-GVGD: "Class C0"). This variant has not been reported in the literature in individuals with QARS-related disease. This variant is not present in population databases (ExAC no frequency). This sequence change replaces lysine with arginine at codon 394 of the QARS protein (p.Lys394Arg). The lysine residue is highly conserved and there is a small physicochemical difference between lysine and arginine. In summary, the available evidence is currently insufficient to determine the role of this variant in disease. Therefore, it has been classified as a Variant of Uncertain Significance.